The following is an entry in ClinVar:

NM_000051.4(ATM):c.2125-2A>G

Gene: ATM (ATM serine/threonine kinase; plus strand). Cytogenetic location: 11q22.3.
Variant type: single nucleotide variant.
Coding change: c.2125-2A>G on transcript NM_000051.4 (MANE Select); the canonical splice acceptor site of the intron before coding-DNA position 2125, A replaced by G.
Molecular consequence: splice acceptor variant.
Genome position (GRCh38, 1-based): chr11:108,256,213, A>G. VCF-style: chr11-108256213-A-G. GRCh37 (hg19) VCF-style: chr11-108126940-A-G.
Other names: c.2125-2A>G (NM_001351834.2).
Identifiers: ClinVar variation 1786304 (VCV001786304.2), dbSNP rs1565394403, ClinGen allele CA382538625.

ClinVar aggregate classification (germline): Likely pathogenic (1 of 4 stars; one submission).

Conditions:
Hereditary cancer-predisposing syndrome. Also called: Neoplastic Syndromes, Hereditary; Tumor predisposition; Hereditary Cancer Syndrome; Hereditary neoplastic syndrome. Identifiers: Orphanet 140162, MedGen C0027672, MeSH D009386, MONDO:0015356.

Submission:

Ambry Genetics
Classification: Likely pathogenic for Hereditary cancer-predisposing syndrome. Last evaluated: 2022-07-12. Review status: criteria provided, single submitter. Criteria: Ambry Variant Classification Scheme 2023. Collection method: clinical testing. Allele origin: germline.
Comment: The c.2125-2A>G intronic variant results from an A to G substitution two nucleotides upstream from coding exon 13 in the ATM gene. This variant was not reported in population-based cohorts in the Genome Aggregation Database (gnomAD). This nucleotide position is highly conserved in available vertebrate species. In silico splice site analysis predicts that this alteration will weaken the native splice acceptor site and will result in the creation or strengthening of a novel splice acceptor site. RNA studies have demonstrated that this alteration results in abnormal splicing in the set of samples tested (Ambry internal data). Alterations that disrupt the canonical splice site are expected to cause aberrant splicing, resulting in an abnormal protein or a transcript that is subject to nonsense-mediated mRNA decay. As such, this alteration is classified as likely pathogenic.